The following is an entry in ClinVar:

ClinVar aggregate classification (germline): Uncertain significance (1 of 4 stars; one submission).

gnomAD v4.1: 1 of 1,211,934 alleles (0.000083%); highest among the groups gnomAD compares: Non-Finnish European, 0.00011%; no homozygotes.

Submission:

Labcorp Genetics (formerly Invitae), Labcorp
Classification: Uncertain significance. Last evaluated: 2025-03-25. Review status: criteria provided, single submitter. Criteria: Invitae Variant Classification Sherloc (09022015). Collection method: clinical testing. Allele origin: germline.
Comment: This sequence change replaces valine, which is neutral and non-polar, with alanine, which is neutral and non-polar, at codon 186 of the RS1 protein (p.Val186Ala). This variant is present in population databases (no rsID available, gnomAD 0.001%). This variant has not been reported in the literature in individuals affected with RS1-related conditions. Invitae Evidence Modeling of protein sequence and biophysical properties (such as structural, functional, and spatial information, amino acid conservation, physicochemical variation, residue mobility, and thermodynamic stability) indicates that this missense variant is expected to disrupt RS1 protein function with a positive predictive value of 95%. In summary, the available evidence is currently insufficient to determine the role of this variant in disease. Therefore, it has been classified as a Variant of Uncertain Significance.

NM_000330.4(RS1):c.557T>C (p.Val186Ala)

Genes: CDKL5 (cyclin dependent kinase like 5; plus strand), RS1 (retinoschisin 1; minus strand). Cytogenetic location: Xp22.13.
Variant type: single nucleotide variant.
Coding change: c.557T>C on transcript NM_000330.4 (MANE Select); coding-DNA position 557, T replaced by C.
Protein change: p.Val186Ala; replaces valine 186 with alanine.
Molecular consequence: missense variant. On other transcripts: intron variant (2).
Genome position (GRCh38, 1-based): chrX:18,642,122, A>G on the plus strand (T>C on the coding strand, the complement: RS1 is on the minus strand). VCF-style: chrX-18642122-A-G. GRCh37 (hg19) VCF-style: chrX-18660242-A-G.
Other names: c.2714-3885A>G (NM_003159.3, NM_001037343.2); short protein forms V186A.
Identifiers: ClinVar variation 4704282 (VCV004704282.1).